The following is an entry in ClinVar:

ClinVar aggregate classification (germline): Conflicting classifications of pathogenicity. Review status: criteria provided, conflicting classifications (1 of 4 stars). 3 submissions from 3 submitters: Uncertain significance (2); Likely benign (1). Last evaluated 2026-07-06.

Conditions:
Hereditary cancer-predisposing syndrome. Also called: Tumor predisposition; Hereditary Cancer Syndrome; Hereditary neoplastic syndrome; Neoplastic Syndromes, Hereditary. Identifiers: Orphanet 140162, MedGen C0027672, MeSH D009386, MONDO:0015356.
Hereditary breast ovarian cancer syndrome. Also called: Hereditary breast and/or ovarian cancer syndrome; Hereditary breast and ovarian cancer syndrome; BRCA1- and BRCA2-Associated Hereditary Breast and Ovarian Cancer; Breast and ovarian cancer; Hereditary breast and ovarian cancer; Hereditary breast and ovarian cancer syndrome (HBOC). Identifiers: Orphanet 145, MedGen C0677776, MeSH D061325, MONDO:0003582. Disease mechanism: loss of function.

gnomAD v4.1: 1 of 1,613,852 alleles (0.000062%); highest among the groups gnomAD compares: Non-Finnish European, 0.000085%; no homozygotes.

Submissions (3):

Ambry Genetics
Classification: Uncertain significance for Hereditary cancer-predisposing syndrome. Last evaluated: 2026-07-06. Review status: criteria provided, single submitter. Criteria: Ambry Variant Classification Scheme 2023. Collection method: clinical testing. Allele origin: germline.
Comment: The p.E2226A variant (also known as c.6677A>C), located in coding exon 10 of the BRCA2 gene, results from an A to C substitution at nucleotide position 6677. The glutamic acid at codon 2226 is replaced by alanine, an amino acid with dissimilar properties. This amino acid position is conserved. In addition, the in silico prediction for this alteration is inconclusive. Based on the available evidence, the clinical significance of this variant remains unclear.

University of Washington Department of Laboratory Medicine, University of Washington
Classification: Likely benign for Hereditary cancer-predisposing syndrome. Last evaluated: 2023-03-23. Review status: criteria provided, single submitter. Criteria: Dines et al. (Genet Med. 2020). Collection method: curation. Allele origin: germline.
Comment: Missense variant in a coldspot region where missense variants are very unlikely to be pathogenic (PMID:31911673).

BRCA2 exon 11 coldspot. Reclassification based on statistical prior probability.

Labcorp Genetics (formerly Invitae), Labcorp
Classification: Uncertain significance for Hereditary breast ovarian cancer syndrome. Last evaluated: 2020-01-06. Review status: criteria provided, single submitter. Criteria: Invitae Variant Classification Sherloc (09022015). Collection method: clinical testing. Allele origin: germline.
Comment: This variant has not been reported in the literature in individuals with BRCA2-related conditions. In summary, the available evidence is currently insufficient to determine the role of this variant in disease. Therefore, it has been classified as a Variant of Uncertain Significance. Algorithms developed to predict the effect of missense changes on protein structure and function are either unavailable or do not agree on the potential impact of this missense change (SIFT: "Deleterious"; PolyPhen-2: "Probably Damaging"; Align-GVGD: "Class C0"). This variant is not present in population databases (ExAC no frequency). This sequence change replaces glutamic acid with alanine at codon 2226 of the BRCA2 protein (p.Glu2226Ala). The glutamic acid residue is highly conserved and there is a moderate physicochemical difference between glutamic acid and alanine.

NM_000059.4(BRCA2):c.6677A>C (p.Glu2226Ala)

Gene: BRCA2 (BRCA2 DNA repair associated; plus strand). Cytogenetic location: 13q13.1.
Variant type: single nucleotide variant.
Coding change: c.6677A>C on transcript NM_000059.4 (MANE Select); coding-DNA position 6677, A replaced by C.
Protein change: p.Glu2226Ala; replaces glutamic acid 2226 with alanine.
Molecular consequence: missense variant.
Genome position (GRCh38, 1-based): chr13:32,341,032, A>C. VCF-style: chr13-32341032-A-C. GRCh37 (hg19) VCF-style: chr13-32915169-A-C.
Other names: c.6677A>C (NM_000059.3); short protein forms E2226A.
Identifiers: ClinVar variation 1056546 (VCV001056546.14), dbSNP rs1281267586, ClinGen allele CA387790547.